The following is an entry in ClinVar:

NM_001127222.2(CACNA1A):c.6834_6875dup (p.Arg2294_Pro2295insArgGlyArgArgGlnLeuProGlnThrProSerThrProArg)

Gene: CACNA1A (calcium voltage-gated channel subunit alpha1 A; minus strand). Cytogenetic location: 19p13.13.
Variant type: Duplication.
Coding change: c.6834_6875dup on transcript NM_001127222.2 (MANE Select); coding-DNA positions 6834 to 6875, 42 bases duplicated.
Protein change: p.Arg2294_Pro2295insArgGlyArgArgGlnLeuProGlnThrProSerThrProArg.
Molecular consequence: 3 prime UTR variant (on NM_000068.4).
Genome position (GRCh38, 1-based): chr19:13,207,959-13,208,000, 42 bases duplicated; duplicating any 42 consecutive bases within chr19:13,207,959-13,208,003 gives the same sequence; the c. name uses the placement nearest the transcript's 3' end. GRCh37 (hg19): chr19:13,318,776-13,318,817.
Other names: c.*46_*87dup (NM_000068.4, NM_001127221.2, NM_001174080.2); c.6852_6893dup, p.Arg2300_Pro2301insArgGlyArgArgGlnLeuProGlnThrProSerThrProArg (NM_023035.3).
Identifiers: ClinVar variation 3360440 (VCV003360440.2).

ClinVar aggregate classification (germline): Uncertain significance (1 of 4 stars; one submission).

Submission:

GeneDx
Classification: Uncertain significance. Last evaluated: 2026-01-20. Review status: criteria provided, single submitter. Criteria: GeneDx Variant Classification Process June 2021. Collection method: clinical testing. Allele origin: germline.
Comment: Not observed at significant frequency in large population cohorts (gnomAD); Has not been previously published as pathogenic or benign to our knowledge; Located in a regulatory region; in the absence of functional studies, the actual effect of this sequence change is unknown